The following is an entry in ClinVar:

ClinVar aggregate classification (germline): Pathogenic (1 of 4 stars; one submission).

Submission:

Labcorp Genetics (formerly Invitae), Labcorp
Classification: Pathogenic. Last evaluated: 2023-05-27. Review status: criteria provided, single submitter. Criteria: Invitae Variant Classification Sherloc (09022015). Collection method: clinical testing. Allele origin: germline.
Comment: This variant has not been reported in the literature in individuals affected with UNC80-related conditions. For these reasons, this variant has been classified as Pathogenic. This variant is not present in population databases (gnomAD no frequency). This sequence change creates a premature translational stop signal (p.Ile2904Phefs*2) in the UNC80 gene. It is expected to result in an absent or disrupted protein product. Loss-of-function variants in UNC80 are known to be pathogenic (PMID: 26545877, 26708751, 26708753).

Literature cited by the submitters: PubMed 26545877; PubMed 26708751; PubMed 26708753.

NM_001371986.1(UNC80):c.8908del (p.Ile2970fs)

Gene: UNC80 (unc-80 subunit of NALCN channel complex; plus strand). Cytogenetic location: 2q34.
Variant type: Deletion.
Coding change: c.8908del on transcript NM_001371986.1 (MANE Select); coding-DNA position 8908, one base deleted (A; older notation c.8908delA).
Protein change: p.Ile2970fs; shifts the reading frame from isoleucine 2970.
Molecular consequence: frameshift variant.
Genome position (GRCh38, 1-based): chr2:209,977,048, A deleted; the last of 5 consecutive A bases (chr2:209,977,044-209,977,048); deleting any one gives the same sequence. VCF-style (leftmost placement, unchanged base first): chr2-209977043-TA-T. GRCh37 (hg19) VCF-style: chr2-210841767-TA-T.
Other names: c.8710del, p.Ile2904fs (NM_032504.2); c.8695del, p.Ile2899fs (NM_182587.4); short protein forms I2899fs, I2970fs, I2904fs.
Identifiers: ClinVar variation 3005064 (VCV003005064.3), dbSNP rs2093032018, ClinGen allele CA1324790949.